The following is an entry in ClinVar:

NM_152296.5(ATP1A3):c.2819+14G>A

Gene: ATP1A3 (ATPase Na+/K+ transporting subunit alpha 3; minus strand). Cytogenetic location: 19q13.2.
Variant type: single nucleotide variant.
Coding change: c.2819+14G>A on transcript NM_152296.5 (MANE Select); 14 bases into the intron after coding-DNA position 2819, G replaced by A.
Molecular consequence: intron variant.
Genome position (GRCh38, 1-based): chr19:41,968,771, C>T on the plus strand (G>A on the coding strand, the complement: ATP1A3 is on the minus strand). VCF-style: chr19-41968771-C-T. GRCh37 (hg19) VCF-style: chr19-42472923-C-T.
Other names: c.2858+14G>A (NM_001256214.2); c.2852+14G>A (NM_001256213.2).
Identifiers: ClinVar variation 2867469 (VCV002867469.3), dbSNP rs2075070788, ClinGen allele CA2336720268.

ClinVar aggregate classification (germline): Uncertain significance (1 of 4 stars; one submission).

Conditions:
Dystonia 12 (DYT12). Also called: Rapid-Onset Dystonia-Parkinsonism (RDP); DYT-ATP1A3. Identifiers: Orphanet 71517, MedGen C1868681, MONDO:0007496, OMIM 128235.

gnomAD v4.1: 5 of 1,612,886 alleles (0.00031%); highest among the groups gnomAD compares: Non-Finnish European, 0.00042%; no homozygotes.

Submission:

Labcorp Genetics (formerly Invitae), Labcorp
Classification: Uncertain significance for Dystonia 12. Last evaluated: 2023-03-10. Review status: criteria provided, single submitter. Criteria: Invitae Variant Classification Sherloc (09022015). Collection method: clinical testing. Allele origin: germline.
Comment: In summary, the available evidence is currently insufficient to determine the role of this variant in disease. Therefore, it has been classified as a Variant of Uncertain Significance. Algorithms developed to predict the effect of sequence changes on RNA splicing suggest that this variant may create or strengthen a splice site. This variant has not been reported in the literature in individuals affected with ATP1A3-related conditions. This variant is not present in population databases (gnomAD no frequency). This sequence change falls in intron 20 of the ATP1A3 gene. It does not directly change the encoded amino acid sequence of the ATP1A3 protein.